The following is an entry in ClinVar:

ClinVar aggregate classification (germline): Conflicting classifications of pathogenicity. Review status: criteria provided, conflicting classifications (1 of 4 stars). 13 submissions from 13 submitters: Uncertain significance (7); Benign (1); Likely benign (3). 2 of the submissions do not count toward it. Last evaluated 2026-01-14.

Conditions:
CACNA1C-related disorder. Also called: CACNA1C-related disorders; CACNA1C-related condition. Identifiers: MedGen CN381092, MONDO:0700321.
Cardiovascular phenotype. Identifiers: MedGen CN230736.
Brugada syndrome (shorter-than-normal QT interval).
Brugada syndrome. Also called: Sudden Unexplained Death Syndrome; Sudden Unexplained Nocturnal Death Syndrome (SUNDS); Sudden unexplained nocturnal death syndrome; Sudden unexpected nocturnal death syndrome. Identifiers: Orphanet 130, MedGen C1142166, MONDO:0015263.
Long QT syndrome (LQTS). Identifiers: MedGen C0023976, MeSH D008133, MONDO:0002442. Disease mechanism: loss of function. Inheritance: Various modes of inheritance.
Timothy syndrome (TS). Also called: LONG QT SYNDROME WITH SYNDACTYLY. Identifiers: Orphanet 65283, MedGen C1832916, MeSH C536962, MONDO:0010979, OMIM 601005.
Brugada syndrome 3 (BRGDA3). Identifiers: Orphanet 130, MedGen C2678478, MONDO:0012742, OMIM 611875.

Allele frequency attached by ClinVar (database versions not stated): gnomAD 0.00015 and 0.00019; 1000 Genomes Project 30x 0.00016; TOPMed 0.00019; 1000 Genomes Project 0.00020; gnomAD exomes 0.00026 and 0.00035; ExAC 0.00041; ESP Exome Variant Server 0.00042.
gnomAD v4.1: 401 of 1,610,992 alleles (0.025%); highest among the groups gnomAD compares: South Asian, 0.085%; no homozygotes.

Submissions (13):

Labcorp Genetics (formerly Invitae), Labcorp
Classification: Likely benign for Long QT syndrome. Last evaluated: 2026-01-14. Review status: criteria provided, single submitter. Criteria: Invitae Variant Classification Sherloc (09022015). Collection method: clinical testing. Allele origin: germline.

PreventionGenetics, part of Exact Sciences
Classification: Uncertain significance for CACNA1C-related condition. Last evaluated: 2026-01-13. Review status: criteria provided, single submitter. Criteria: ACMG Guidelines, 2015. Collection method: clinical testing. Allele origin: germline.
Comment: The CACNA1C c.6040G>A variant is predicted to result in the amino acid substitution p.Val2014Ile. This variant has been reported in individuals with Brugada syndrome (Table1, Burashnikov et al. 2010. PubMed ID: 20817017; Risgaard et al. 2013. PubMed ID: 23414114). This variant is mainly classified as likely benign/uncertain by multiple publications (Table S1, Dorschner et al. 2013. PubMed ID: 24055113; Amendola et al. 2015. PubMed ID: 25637381; Marschall et al. 2019. PubMed ID: 31737537; Maltese et al. 2019. PubMed ID: 31539150 ) and likely pathogenic by one publication (Campuzano et al. 2019. PubMed ID: 30821013). This variant is reported in 0.082% of alleles in individuals of South Asian descent in gnomAD and has conflicting interpretations of benign, likely benign, and uncertain (Variation ID: 67556). At this time, the clinical significance of this variant is uncertain due to the absence of conclusive functional and genetic evidence.

GeneDx
Classification: Uncertain significance. Last evaluated: 2025-07-09. Review status: criteria provided, single submitter. Criteria: GeneDx Variant Classification Process June 2021. Collection method: clinical testing. Allele origin: germline. Affected: yes.
Comment: In silico analysis suggests that this missense variant does not alter protein structure/function; Published functional studies demonstrate a damaging effect on channel function (PMID: 20817017); This variant is associated with the following publications: (PMID: 24055113, 23414114, 25637381, 31539150, 20817017, 30821013, 31737537)

Blueprint Genetics
Classification: Likely benign. Last evaluated: 2024-11-27. Review status: criteria provided, single submitter. Criteria: ACMG Guidelines, 2015. Collection method: clinical testing. Allele origin: germline.

CeGaT Center for Human Genetics Tuebingen
Classification: Likely benign. Last evaluated: 2024-11-01. Review status: criteria provided, single submitter. Criteria: CeGaT Center For Human Genetics Tuebingen Variant Classification Criteria Version 2. Collection method: clinical testing. Allele origin: germline. Affected: yes. Observed: 1 variant allele.
Comment: CACNA1C: BP4

Revvity Omics, Revvity
Classification: Uncertain significance. Last evaluated: 2022-08-11. Review status: criteria provided, single submitter. Criteria: ACMG Guidelines, 2015. Collection method: clinical testing. Allele origin: germline.

Ambry Genetics
Classification: Benign for Cardiovascular phenotype. Last evaluated: 2022-01-10. Review status: criteria provided, single submitter. Criteria: Ambry Variant Classification Scheme 2023. Collection method: clinical testing. Allele origin: germline.

Mendelics
Classification: Uncertain significance for Timothy syndrome. Last evaluated: 2019-05-28. Review status: criteria provided, single submitter. Criteria: Mendelics Assertion Criteria 2017. Collection method: clinical testing. Allele origin: unknown.

MVZ Martinsried, Medicover Genetics
Classification: Uncertain significance for Brugada syndrome 3. Last evaluated: 2018-03-17. Review status: criteria provided, single submitter. Criteria: ACMG Guidelines, 2015. Collection method: clinical testing. Allele origin: unknown. Affected: yes.

Laboratory for Molecular Medicine, Mass General Brigham Personalized Medicine
Classification: Uncertain significance. Last evaluated: 2016-04-25. Review status: criteria provided, single submitter. Criteria: LMM Criteria. Collection method: clinical testing. Allele origin: germline.
Comment: Variant identified in a genome or exome case(s) and assessed due to predicted null impact of the variant or pathogenic assertions in the literature or databases. Disclaimer: This variant has not undergone full assessment. The following are preliminary notes: 4 papers in HGMD, 3 reference presence in control databases; ExAC: 0.1% (19/13788) South Asian chromosomes

Eurofins Ntd Llc (ga)
Classification: Uncertain significance. Last evaluated: 2015-03-11. Review status: criteria provided, single submitter. Criteria: EGL Classification Definitions 2015. Collection method: clinical testing. Allele origin: germline. Observed: 1 variant allele, 1 heterozygote.

CSER _CC_NCGL, University of Washington
Classification: Uncertain significance for Brugada syndrome (shorter-than-normal QT interval). Last evaluated: 2014-06-01. Review status: no assertion criteria provided. Collection method: research. Allele origin: germline. Inheritance: Autosomal dominant inheritance. Study: ESP 6500 variant annotation. Not counted in ClinVar's aggregate classification.
Comment: Variants classified for the Actionable exomic incidental findings in 6503 participants: challenges of variant classification manuscript

Cardiovascular Biomedical Research Unit, Royal Brompton & Harefield NHS Foundation Trust
No classification provided. Condition: Brugada syndrome. Review status: no classification provided. Collection method: literature only. Allele origin: germline. Not counted in ClinVar's aggregate classification.
Comment: This variant has been reported as associated with Brugada syndrome in the following publications (PMID:20817017). This is a literature report, and does not necessarily reflect the clinical interpretation of the Imperial College / Royal Brompton Cardiovascular Genetics laboratory.

Literature cited by the submitters: PubMed 20817017 (cited by Ambry Genetics and Cardiovascular Biomedical Research Unit, Royal Brompton & Harefield NHS Foundation Trust); PubMed 31539150 (cited by Ambry Genetics); PubMed 31737537 (cited by Ambry Genetics); PubMed 22581653 (cited by Cardiovascular Biomedical Research Unit, Royal Brompton & Harefield NHS Foundation Trust).

NM_000719.7(CACNA1C):c.6040G>A (p.Val2014Ile)

Genes: CACNA1C-AS1 (CACNA1C antisense RNA 1; minus strand), CACNA1C (calcium voltage-gated channel subunit alpha1 C; plus strand). Cytogenetic location: 12p13.33.
Variant type: single nucleotide variant.
Coding change: c.6040G>A on transcript NM_000719.7 (MANE Select); coding-DNA position 6040, G replaced by A.
Protein change: p.Val2014Ile; replaces valine 2014 with isoleucine.
Molecular consequence: missense variant.
Genome position (GRCh38, 1-based): chr12:2,688,702, G>A. VCF-style: chr12-2688702-G-A. GRCh37 (hg19) VCF-style: chr12-2797868-G-A.
Other names: p.V2014I:GTC>ATC; c.6184G>A, p.Val2062Ile (NM_001129827.2); c.6163G>A, p.Val2055Ile (NM_001129829.2); c.6145G>A, p.Val2049Ile (NM_001129830.3, NM_001167624.3); c.6124G>A, p.Val2042Ile (NM_001129831.2); c.6100G>A, p.Val2034Ile (NM_001129832.2); c.6097G>A, p.Val2033Ile (NM_001129833.2, NM_001129834.2, NM_001129835.2); c.6091G>A, p.Val2031Ile (NM_001129836.2); and 8 more; short protein forms V2014I, V2049I, V2062I, V2097I, V2020I, V2031I, V2033I, V2011I.
Identifiers: ClinVar variation 67556 (VCV000067556.44), dbSNP rs199473660, ClinGen allele CA211379.
Genomic context (GRCh38, chr12:2,688,702, plus strand): 5'-TCCTGGGCTGAGACCACCCCCGGTGGCGGGGGCAGCAGCGCCGCCCGGAGAGTCCGGCCC[G>A]TCTCCCTCATGGTGCCCAGCCAGGCTGGGGCCCCAGGGAGGCAGTTCCACGGCAGTGCCA-3'
Protein context (NP_000710.5, residues 2004-2024): GSSAARRVRP[Val2014Ile]SLMVPSQAGA